The following is an entry in ClinVar:

ClinVar aggregate classification (germline): Benign/Likely benign. Review status: criteria provided, multiple submitters, no conflicts (2 of 4 stars). 5 submissions from 5 submitters: Benign (2); Likely benign (2). 1 of the submissions does not count toward it. Last evaluated 2026-02-04.

Conditions:
KCNJ8-related disorder. Also called: KCNJ8-related condition.
Brugada syndrome. Also called: Sudden unexplained nocturnal death syndrome; Sudden Unexplained Death Syndrome; Sudden Unexplained Nocturnal Death Syndrome (SUNDS); Sudden unexpected nocturnal death syndrome. Identifiers: Orphanet 130, MedGen C1142166, MONDO:0015263.
Cardiovascular phenotype. Identifiers: MedGen CN230736.

Allele frequency attached by ClinVar (database versions not stated): 1000 Genomes Project 30x 0.00031; TOPMed 0.00032; 1000 Genomes Project 0.00040; ESP Exome Variant Server 0.00046; gnomAD 0.00048 and 0.00051; gnomAD exomes 0.00060 and 0.00076; ExAC 0.00101.
gnomAD v4.1: 956 of 1,613,994 alleles (0.059%); highest among the groups gnomAD compares: Non-Finnish European, 0.065%; 1 homozygote.

Submissions (5):

Labcorp Genetics (formerly Invitae), Labcorp
Classification: Benign for Brugada syndrome. Last evaluated: 2026-02-04. Review status: criteria provided, single submitter. Criteria: Invitae Variant Classification Sherloc (09022015). Collection method: clinical testing. Allele origin: germline.

Mayo Clinic Laboratories, Mayo Clinic
Classification: Likely benign. Last evaluated: 2025-11-22. Review status: criteria provided, single submitter. Criteria: ACMG Guidelines, 2015. Collection method: clinical testing. Allele origin: germline. Observed: 1 variant allele.
Comment: BS1, BP4, BP7

GeneDx
Classification: Benign. Last evaluated: 2016-10-13. Review status: criteria provided, single submitter. Criteria: GeneDx Variant Classification (06012015). Collection method: clinical testing. Allele origin: germline. Affected: yes.
Comment: This variant is considered likely benign or benign based on one or more of the following criteria: it is a conservative change, it occurs at a poorly conserved position in the protein, it is predicted to be benign by multiple in silico algorithms, and/or has population frequency not consistent with disease.

Ambry Genetics
Classification: Likely benign for Cardiovascular phenotype. Last evaluated: 2015-11-11. Review status: criteria provided, single submitter. Criteria: Ambry Variant Classification Scheme 2023. Collection method: clinical testing. Allele origin: germline.

PreventionGenetics, part of Exact Sciences
Classification: Likely benign for KCNJ8-related condition. Last evaluated: 2019-10-28. Review status: no assertion criteria provided. Collection method: clinical testing. Allele origin: germline. Not counted in ClinVar's aggregate classification.
Comment: This variant is classified as likely benign based on ACMG/AMP sequence variant interpretation guidelines (Richards et al. 2015 PMID: 25741868, with internal and published modifications).

NM_004982.4(KCNJ8):c.507C>T (p.Ile169=)

Genes: KCNJ8 (potassium inwardly rectifying channel subfamily J member 8; minus strand), KCNJ8-AS1 (KCNJ8 antisense RNA 1; plus strand). Cytogenetic location: 12p12.1.
Variant type: single nucleotide variant.
Coding change: c.507C>T on transcript NM_004982.4 (MANE Select); coding-DNA position 507, C replaced by T.
Protein change: p.Ile169=; no amino-acid change (isoleucine 169 retained).
Molecular consequence: synonymous variant.
Genome position (GRCh38, 1-based): chr12:21,766,491, G>A on the plus strand (C>T on the coding strand, the complement: KCNJ8 is on the minus strand). VCF-style: chr12-21766491-G-A. GRCh37 (hg19) VCF-style: chr12-21919425-G-A.
Other names: p.Ile169=.
Identifiers: ClinVar variation 378009 (VCV000378009.67), dbSNP rs139304559, ClinGen allele CA6480674.
Genomic context (GRCh38, chr12:21,766,491, plus strand): 5'-TTCTGCCCTTCTGTGAGCCTGAGCTGTTTTCATGAAAATGCAGCCTAACATGACTGCATT[G>A]ATGATCAAACCCACAATATTCTGGAGAATCAAAACCGTGATGGCCAAAGGGCATTCCTCT-3'
Protein context (NP_004973.1, residues 159-179): LILQNIVGLI[Ile169=]NAVMLGCIFM